The following is an entry in ClinVar:

ClinVar aggregate classification (germline): Likely benign. Review status: criteria provided, multiple submitters, no conflicts (2 of 4 stars). 5 submissions from 5 submitters: Likely benign (5). Last evaluated 2026-01-26.

Conditions:
Cardiovascular phenotype. Identifiers: MedGen CN230736.
Catecholaminergic polymorphic ventricular tachycardia (CVPT). Also called: Catecholamine-induced polymorphic ventricular tachycardia. Identifiers: Orphanet 3286, MedGen C5574922, MONDO:0017990.
Cardiomyopathy (CMYO). Also called: Cardiomyopathies. Identifiers: Orphanet 167848, MedGen C0878544, MONDO:0004994, HP:0001638. Inheritance: Various modes of inheritance.
Catecholaminergic polymorphic ventricular tachycardia 1. Also called: VENTRICULAR TACHYCARDIA, CATECHOLAMINERGIC POLYMORPHIC, 1, WITH OR WITHOUT ATRIAL DYSFUNCTION AND/OR DILATED CARDIOMYOPATHY; VENTRICULAR TACHYCARDIA, STRESS-INDUCED POLYMORPHIC 1; RYR2-Related Catecholaminergic Polymorphic Ventricular Tachycardia. Identifiers: Orphanet 3286, MedGen C1631597, MONDO:0011484, OMIM 604772.

Allele frequency attached by ClinVar (database versions not stated): TOPMed below 0.00001; ExAC 0.00002; gnomAD 0.00003 and 0.00004; gnomAD exomes 0.00003; 1000 Genomes Project 30x 0.00016; 1000 Genomes Project 0.00020.
gnomAD v4.1: 59 of 1,612,976 alleles (0.0037%); highest among the groups gnomAD compares: South Asian, 0.012%; no homozygotes.

Submissions (5):

Labcorp Genetics (formerly Invitae), Labcorp
Classification: Likely benign for Catecholaminergic polymorphic ventricular tachycardia 1. Last evaluated: 2026-01-26. Review status: criteria provided, single submitter. Criteria: Invitae Variant Classification Sherloc (09022015). Collection method: clinical testing. Allele origin: germline.

All of Us Research Program, National Institutes of Health
Classification: Likely benign for Catecholaminergic polymorphic ventricular tachycardia. Last evaluated: 2023-11-30. Review status: criteria provided, single submitter. Criteria: ACMG Guidelines, 2015. Collection method: clinical testing. Allele origin: germline. Inheritance: Autosomal dominant inheritance. Observed: 10 variant alleles, 10 heterozygotes.
Comment: This study involves interpretation of variants in research participants for the purpose of population health screening. Participant phenotype was not available at the time of variant classification. Additional details can be found in publication PMID: 35346344, PMCID: PMC8962531

Ambry Genetics
Classification: Likely benign for Cardiovascular phenotype. Last evaluated: 2023-02-08. Review status: criteria provided, single submitter. Criteria: Ambry Variant Classification Scheme 2023. Collection method: clinical testing. Allele origin: germline.

GeneDx
Classification: Likely benign. Last evaluated: 2021-02-26. Review status: criteria provided, single submitter. Criteria: GeneDx Variant Classification Process June 2021. Collection method: clinical testing. Allele origin: germline. Affected: yes.

Color Diagnostics, LLC DBA Color Health
Classification: Likely benign for Cardiomyopathy. Last evaluated: 2019-08-14. Review status: criteria provided, single submitter. Criteria: ACMG Guidelines, 2015. Collection method: clinical testing. Allele origin: germline.

NM_001035.3(RYR2):c.7098C>T (p.Ser2366=)

Gene: RYR2 (ryanodine receptor 2; plus strand). Cytogenetic location: 1q43.
Variant type: single nucleotide variant.
Coding change: c.7098C>T on transcript NM_001035.3 (MANE Select); coding-DNA position 7098, C replaced by T.
Protein change: p.Ser2366=; no amino-acid change (serine 2366 retained).
Molecular consequence: synonymous variant.
Genome position (GRCh38, 1-based): chr1:237,639,184, C>T. VCF-style: chr1-237639184-C-T. GRCh37 (hg19) VCF-style: chr1-237802484-C-T.
Identifiers: ClinVar variation 711590 (VCV000711590.17), dbSNP rs375631485, ClinGen allele CA087281.
Genomic context (GRCh38, chr1:237,639,184, plus strand): 5'-AATGGAAGAAGCCATCAAAATCGCCGAGGATCCTTCCCGAGATGGTCCCTCACCAAATAG[C>T]GGATCCAGTAAAACACTGTAGGTCTAATATACACACCCTCACGAGTGATCCATACTACTT-3'
Protein context (NP_001026.2, residues 2356-2376): DPSRDGPSPN[Ser2366=]GSSKTLDTEE